The following is an entry in ClinVar:

NM_002840.5(PTPRF):c.663G>A (p.Ala221=)

Gene: PTPRF (protein tyrosine phosphatase receptor type F; plus strand). Cytogenetic location: 1p34.2.
Variant type: single nucleotide variant.
Coding change: c.663G>A on transcript NM_002840.5 (MANE Select); coding-DNA position 663, G replaced by A.
Protein change: p.Ala221=; no amino-acid change (alanine 221 retained).
Molecular consequence: synonymous variant.
Genome position (GRCh38, 1-based): chr1:43,578,904, G>A. VCF-style: chr1-43578904-G-A. GRCh37 (hg19) VCF-style: chr1-44044575-G-A.
Other names: c.681G>A, p.Ala227= (NM_001329137.2, NM_001329138.2); c.663G>A, p.Ala221= (NM_001329139.2, NM_001329140.2, NM_130440.4).
Identifiers: ClinVar variation 793336 (VCV000793336.5), dbSNP rs540168118, ClinGen allele CA811877.
Genomic context (GRCh38, chr1:43,578,904, plus strand): 5'-CCAAGGCAAGTACGAGTGTGTGGCGACCAACTCGGCAGGCACACGTTACTCAGCCCCTGC[G>A]AACCTGTATGTGCGAGGTAAGGACTCAGGCAGTGCCTGGCCCCTGTCACCACAGAGCTGT-3'
Protein context (NP_002831.2, residues 211-231): NSAGTRYSAP[Ala221=]NLYVRVRRVA

ClinVar aggregate classification (germline): Benign. Review status: criteria provided, single submitter (1 of 4 stars). 2 submissions from 2 submitters: Benign (1). 1 of the submissions does not count toward it. Last evaluated 2019-01-02.

Conditions:
PTPRF-related disorder. Also called: PTPRF-related condition.

Allele frequency attached by ClinVar (database versions not stated): gnomAD 0.00001; TOPMed 0.00004; 1000 Genomes Project 0.00120; 1000 Genomes Project 30x 0.00172.
gnomAD v4.1: 746 of 1,614,186 alleles (0.046%); highest among the groups gnomAD compares: South Asian, 0.75%; 25 homozygotes.

Submissions (2):

Labcorp Genetics (formerly Invitae), Labcorp
Classification: Benign. Last evaluated: 2019-01-02. Review status: criteria provided, single submitter. Criteria: Invitae Variant Classification Sherloc (09022015). Collection method: clinical testing. Allele origin: germline.

PreventionGenetics, part of Exact Sciences
Classification: Benign for PTPRF-related condition. Last evaluated: 2019-05-23. Review status: no assertion criteria provided. Collection method: clinical testing. Allele origin: germline. Not counted in ClinVar's aggregate classification.
Comment: This variant is classified as benign based on ACMG/AMP sequence variant interpretation guidelines (Richards et al. 2015 PMID: 25741868, with internal and published modifications).